The following is an entry in ClinVar:

NM_000533.5(PLP1):c.4+1G>A

Genes: RAB9B (RAB9B, member RAS oncogene family; minus strand), PLP1 (proteolipid protein 1; plus strand). Cytogenetic location: Xq22.2.
Variant type: single nucleotide variant.
Coding change: c.4+1G>A on transcript NM_000533.5 (MANE Select); the canonical splice donor site of the intron after coding-DNA position 4, G replaced by A.
Molecular consequence: splice donor variant.
Genome position (GRCh38, 1-based): chrX:103,777,000, G>A. VCF-style: chrX-103777000-G-A. GRCh37 (hg19) VCF-style: chrX-103031928-G-A.
Other names: c.4+1G>A (NM_001128834.3, NM_199478.3, NM_001305004.1).
Identifiers: ClinVar variation 1345557 (VCV001345557.8), dbSNP rs2147752783, ClinGen allele CA414101591.
Genomic context (GRCh38, chrX:103,777,000, plus strand): 5'-TCAGCCACAAAGCAGACTAGCCAGCCGGCTACAATTGGAGTCAGAGTCCCAAAGACATGG[G>A]TAAGTTTCAAAAACTTTAGCATTGAAGATTCAAGAGGACACAGGAATTCACAAGAGAATT-3'

ClinVar aggregate classification (germline): Pathogenic (1 of 4 stars; one submission).

Conditions:
Hereditary spastic paraplegia 2 (SPG2). Also called: SPASTIC PARAPLEGIA 2, X-LINKED; Spastic Paraplegia 2 (SPG2). Identifiers: Orphanet 99015, MedGen C0751604, MONDO:0010733, OMIM 312920.

Submission:

Labcorp Genetics (formerly Invitae), Labcorp
Classification: Pathogenic for Hereditary spastic paraplegia 2. Last evaluated: 2023-11-27. Review status: criteria provided, single submitter. Criteria: Invitae Variant Classification Sherloc (09022015). Collection method: clinical testing. Allele origin: germline.
Comment: This sequence change affects a donor splice site in intron 1 of the PLP1 gene. It is expected to disrupt RNA splicing. Variants that disrupt the donor or acceptor splice site typically lead to a loss of protein function (PMID: 16199547), and loss-of-function variants in PLP1 are known to be pathogenic (PMID: 18470932). This variant is not present in population databases (gnomAD no frequency). Disruption of this splice site has been observed in individual(s) with clinical features of PLP1-related conditions (PMID: 35012964). ClinVar contains an entry for this variant (Variation ID: 1345557). Studies have shown that disruption of this splice site alters PLP1 gene expression (PMID: 35012964). Algorithms developed to predict the effect of sequence changes on RNA splicing suggest that this variant may disrupt the consensus splice site. For these reasons, this variant has been classified as Pathogenic.

Literature cited by the submitters: PubMed 16199547; PubMed 18470932; PubMed 35012964.